The following is an entry in ClinVar:

ClinVar aggregate classification (germline): Benign/Likely benign. Review status: criteria provided, multiple submitters, no conflicts (2 of 4 stars). 3 submissions from 3 submitters: Benign (1); Likely benign (2). Last evaluated 2026-01-28.

Allele frequency attached by ClinVar (database versions not stated): gnomAD 0.00001 and 0.00009; TOPMed 0.00006; 1000 Genomes Project 30x 0.00016; 1000 Genomes Project 0.00020; gnomAD exomes 0.00026 and 0.00034; ExAC 0.00039.
gnomAD v4.1: 392 of 1,607,286 alleles (0.024%); highest among the groups gnomAD compares: South Asian, 0.27%; 1 homozygote.

Submissions (3):

Labcorp Genetics (formerly Invitae), Labcorp
Classification: Benign. Last evaluated: 2026-01-28. Review status: criteria provided, single submitter. Criteria: Invitae Variant Classification Sherloc (09022015). Collection method: clinical testing. Allele origin: germline.

Women's Health and Genetics/Laboratory Corporation of America, LabCorp
Classification: Likely benign. Last evaluated: 2024-12-04. Review status: criteria provided, single submitter. Criteria: LabCorp Variant Classification Summary - May 2015. Collection method: clinical testing. Allele origin: germline.
Comment: Variant summary: PROP1 c.109+11G>A alters a non-conserved nucleotide located at a position not widely known to affect splicing. Consensus agreement among computation tools predict no significant impact on normal splicing. However, these predictions have yet to be confirmed by functional studies. The variant allele was found at a frequency of 0.00034 in 250808 control chromosomes. This frequency is not significantly higher than estimated for a pathogenic variant in PROP1 causing Combined Pituitary Hormone Deficiency (0.00034 vs 0.0041), allowing no conclusion about variant significance. To our knowledge, no occurrence of c.109+11G>A in individuals affected with Combined Pituitary Hormone Deficiency and no experimental evidence demonstrating its impact on protein function have been reported. ClinVar contains an entry for this variant (Variation ID: 1583690). Based on the evidence outlined above, the variant was classified as likely benign.

Blueprint Genetics
Classification: Likely benign. Last evaluated: 2024-11-13. Review status: criteria provided, single submitter. Criteria: ACMG Guidelines, 2015. Collection method: clinical testing. Allele origin: germline.

NM_006261.5(PROP1):c.109+11G>A

Gene: PROP1 (PROP paired-like homeobox 1; minus strand). Cytogenetic location: 5q35.3.
Variant type: single nucleotide variant.
Coding change: c.109+11G>A on transcript NM_006261.5 (MANE Select); 11 bases into the intron after coding-DNA position 109, G replaced by A.
Molecular consequence: intron variant.
Genome position (GRCh38, 1-based): chr5:177,995,814, C>T on the plus strand (G>A on the coding strand, the complement: PROP1 is on the minus strand). VCF-style: chr5-177995814-C-T. GRCh37 (hg19) VCF-style: chr5-177422815-C-T.
Identifiers: ClinVar variation 1583690 (VCV001583690.10), dbSNP rs547296640, ClinGen allele CA3587634.